The following is an entry in ClinVar:

NM_005337.5(NCKAP1L):c.1111A>C (p.Met371Leu)

Gene: NCKAP1L (NCK associated protein 1 like; plus strand). Cytogenetic location: 12q13.2.
Variant type: single nucleotide variant.
Coding change: c.1111A>C on transcript NM_005337.5 (MANE Select); coding-DNA position 1111, A replaced by C.
Protein change: p.Met371Leu; replaces methionine 371 with leucine.
Molecular consequence: missense variant.
Genome position (GRCh38, 1-based): chr12:54,517,548, A>C. VCF-style: chr12-54517548-A-C. GRCh37 (hg19) VCF-style: chr12-54911332-A-C.
Other names: c.961A>C, p.Met321Leu (NM_001184976.2); short protein forms M321L, M371L.
Identifiers: ClinVar variation 3383987 (VCV003383987.1).

ClinVar aggregate classification (germline): Likely pathogenic (1 of 4 stars; one submission).

Conditions:
Immunodeficiency 72 with autoinflammation. Also called: IMMUNODEFICIENCY 72 WITH AUTOINFLAMMATION AND LYMPHOPROLIFERATION. Identifiers: MedGen C5436540, MONDO:0033551, OMIM 618982.

Submission:

Dubai Health Genomic Medicine Center, Dubai Health
Classification: Likely pathogenic for Immunodeficiency 72 with autoinflammation. Last evaluated: 2024-10-04. Review status: criteria provided, single submitter. Criteria: ACMG Guidelines, 2015. Collection method: research. Allele origin: germline. Affected: yes.
Comment: PS3(moderate),PM3,PM2,PP3,PP1